The following is an entry in ClinVar:

ClinVar aggregate classification (germline): Uncertain significance (1 of 4 stars; one submission).

Submission:

Dasa
Classification: Uncertain significance. Last evaluated: 2025-08-11. Review status: criteria provided, single submitter. Criteria: DASA Assertion Criteria. Collection method: clinical testing. Allele origin: germline.
Comment: NM_001190738.2(NFIB):c.52C>G (p.Leu18Val) is a missense variant that results in the substitution of leucine with valine. This variant is absent from population databases. The currently available literature and clinical evidence are not sufficient to establish a definitive association between this variant and the reported condition. Therefore, this variant is classified as a variant of uncertain significance.

NM_001190738.2(NFIB):c.52C>G (p.Leu18Val)

Gene: NFIB (nuclear factor I B; minus strand). Cytogenetic location: 9p22.3.
Variant type: single nucleotide variant.
Coding change: c.52C>G on transcript NM_001190738.2; coding-DNA position 52, C replaced by G.
Protein change: p.Leu18Val; replaces leucine 18 with valine.
Molecular consequence: missense variant. On other transcripts: intron variant (4).
Genome position (GRCh38, 1-based): chr9:14,398,580, G>C on the plus strand (C>G on the coding strand, the complement: NFIB is on the minus strand). VCF-style: chr9-14398580-G-C. GRCh37 (hg19) VCF-style: chr9-14398579-G-C.
Other names: c.97-91060C>G (NM_001369468.1, NM_001369462.1, NM_001369459.1 and 1 more transcripts); short protein forms L18V.
Identifiers: ClinVar variation 4881559 (VCV004881559.2).